The following is an entry in ClinVar:

ClinVar aggregate classification (germline): Uncertain significance (1 of 4 stars; one submission).

Submission:

GeneDx
Classification: Uncertain significance. Last evaluated: 2025-08-08. Review status: criteria provided, single submitter. Criteria: GeneDx Variant Classification Process June 2021. Collection method: clinical testing. Allele origin: germline. Affected: yes.
Comment: Not observed at significant frequency in large population cohorts (gnomAD); In silico analysis supports that this missense variant has a deleterious effect on protein structure/function; Has not been previously published as pathogenic or benign to our knowledge

NM_000540.3(RYR1):c.11938G>A (p.Ala3980Thr)

Gene: RYR1 (ryanodine receptor 1; plus strand). Cytogenetic location: 19q13.2.
Variant type: single nucleotide variant.
Coding change: c.11938G>A on transcript NM_000540.3 (MANE Select); coding-DNA position 11938, G replaced by A.
Protein change: p.Ala3980Thr; replaces alanine 3980 with threonine.
Molecular consequence: missense variant.
Genome position (GRCh38, 1-based): chr19:38,543,801, G>A. VCF-style: chr19-38543801-G-A. GRCh37 (hg19) VCF-style: chr19-39034441-G-A.
Other names: c.11923G>A, p.Ala3975Thr (NM_001042723.2); short protein forms A3975T, A3980T.
Identifiers: ClinVar variation 4755668 (VCV004755668.1).